The following is an entry in ClinVar:

NM_001282531.3(ADNP):c.190dup (p.Thr64fs)

Gene: ADNP (activity dependent neuroprotector homeobox; minus strand). Cytogenetic location: 20q13.13.
Variant type: Duplication.
Coding change: c.190dup on transcript NM_001282531.3 (MANE Select); coding-DNA position 190, one base duplicated (A; older notation c.190dupA).
Protein change: p.Thr64fs; shifts the reading frame from threonine 64.
Molecular consequence: frameshift variant.
Genome position (GRCh38, 1-based): chr20:50,902,028, T duplicated on the plus strand (A on the coding strand, the reverse complement: ADNP is on the minus strand). VCF-style (leftmost placement, unchanged base first): chr20-50902027-G-GT. GRCh37 (hg19) VCF-style: chr20-49518564-G-GT.
Other names: c.190dup, p.Thr64fs (NM_001282532.2, NM_001347511.2, NM_015339.5 and 1 more transcripts); c.190dupA (NM_015339.2); short protein forms T64fs.
Identifiers: ClinVar variation 280557 (VCV000280557.8), dbSNP rs886041741, ClinGen allele CA10603675.
Genomic context (GRCh38, chr20:50,902,027, plus strand): 5'-GGAGTATACCAAGCATGCTGCCATCTGAGGAAGTCTCCTGTGCCACTTACCTGGTTTTTC[G>GT]TAAGTGATGGGTCCCACAGTCCTACATCCTCCCATGTAGTGTTTTTCAAATAAAAGTCAT-3'

ClinVar aggregate classification (germline): Pathogenic. Review status: criteria provided, multiple submitters, no conflicts (2 of 4 stars). 3 submissions from 3 submitters: Pathogenic (3). Last evaluated 2025-06-07.

Conditions:
ADNP-related multiple congenital anomalies - intellectual disability - autism spectrum disorder. Also called: ADNP-Related Helsmoortel-Van der Aa Syndrome; Helsmoortel-Van der Aa Syndrome. Identifiers: Orphanet 404448, MedGen C4014538, MONDO:0014379, OMIM 615873. Disease mechanism: loss of function.

Submissions (3):

GeneDx
Classification: Pathogenic. Last evaluated: 2025-06-07. Review status: criteria provided, single submitter. Criteria: GeneDx Variant Classification Process June 2021. Collection method: clinical testing. Allele origin: germline. Affected: yes.
Comment: Frameshift variant predicted to result in abnormal protein length as the last 1039 amino acid(s) are replaced with 34 different amino acid(s), and other similar variants have been reported in HGMD; Not observed at significant frequency in large population cohorts (gnomAD); This variant is associated with the following publications: (PMID: 33057194, 35904121, 35982159, 32758449, 29724491, 31526516, 33004838, 35468861, 33528536, 28221363)

Laboratoire de Génétique Moléculaire, CHU Bordeaux
Classification: Pathogenic for ADNP-related multiple congenital anomalies - intellectual disability - autism spectrum disorder. Last evaluated: 2023-05-25. Review status: criteria provided, single submitter. Criteria: ACMG Guidelines, 2015. Collection method: clinical testing. Allele origin: germline. Affected: yes.

Mendelics
Classification: Pathogenic for ADNP-related multiple congenital anomalies - intellectual disability - autism spectrum disorder. Last evaluated: 2019-05-28. Review status: criteria provided, single submitter. Criteria: Mendelics Assertion Criteria 2017. Collection method: clinical testing. Allele origin: unknown.